The following is an entry in ClinVar:

NM_005121.3(MED13):c.1309G>A (p.Ala437Thr)

Gene: MED13 (mediator complex subunit 13; minus strand). Cytogenetic location: 17q23.2.
Variant type: single nucleotide variant.
Coding change: c.1309G>A on transcript NM_005121.3 (MANE Select); coding-DNA position 1309, G replaced by A.
Protein change: p.Ala437Thr; replaces alanine 437 with threonine.
Molecular consequence: missense variant.
Genome position (GRCh38, 1-based): chr17:62,011,208, C>T on the plus strand (G>A on the coding strand, the complement: MED13 is on the minus strand). VCF-style: chr17-62011208-C-T. GRCh37 (hg19) VCF-style: chr17-60088569-C-T.
Other names: short protein forms A437T.
Identifiers: ClinVar variation 3253164 (VCV003253164.1), dbSNP rs2509333295.
Genomic context (GRCh38, chr17:62,011,208, plus strand): 5'-TGTGCTTAGGAAGTATTTGTTGTTGCTGACCTAAAGATGGTGCCTGTCCTTGTTGTCCAG[C>T]ATTTCTTGACTTGAGATTTTTGTGCCTGAAAAGTGAAAATAAAGGTTTCATATTTACAGT-3'
Protein context (NP_005112.2, residues 427-447): LRHKNLKSRN[Ala437Thr]GQQGQAPSLG

ClinVar aggregate classification (germline): Uncertain significance (1 of 4 stars; one submission).

Submission:

GeneDx
Classification: Uncertain significance. Last evaluated: 2024-04-24. Review status: criteria provided, single submitter. Criteria: GeneDx Variant Classification Process June 2021. Collection method: clinical testing. Allele origin: germline. Affected: yes.
Comment: Not observed in large population cohorts (gnomAD); In silico analysis supports that this missense variant does not alter protein structure/function; Has not been previously published as pathogenic or benign to our knowledge